The following is an entry in ClinVar:

NM_000222.3(KIT):c.2484+9C>G

Gene: KIT (KIT proto-oncogene, receptor tyrosine kinase; plus strand). Cytogenetic location: 4q12.
Variant type: single nucleotide variant.
Coding change: c.2484+9C>G on transcript NM_000222.3 (MANE Select); 9 bases into the intron after coding-DNA position 2484, C replaced by G.
Molecular consequence: intron variant.
Genome position (GRCh38, 1-based): chr4:54,733,201, C>G. VCF-style: chr4-54733201-C-G. GRCh37 (hg19) VCF-style: chr4-55599367-C-G.
Other names: c.2487+9C>G (NM_001385284.1); c.2484+9C>G (NM_001385290.1); c.2475+9C>G (NM_001385288.1); c.2472+9C>G (NM_001385292.1, NM_001093772.2); c.2481+9C>G (NM_001385285.1); c.2469+9C>G (NM_001385286.1).
Identifiers: ClinVar variation 4875936 (VCV004875936.1).

ClinVar aggregate classification (germline): Likely benign (1 of 4 stars; one submission).

Conditions:
Gastrointestinal stromal tumor. Also called: Gastrointestinal stromal tumor, somatic; Gastrointestinal stroma tumor. Identifiers: Orphanet 44890, MedGen C0238198, MeSH D046152, MONDO:0011719, OMIM 606764, HP:0100723.

gnomAD v4.1: 1 of 1,611,450 alleles (0.000062%); highest among the groups gnomAD compares: East Asian, 0.0022%; no homozygotes.

Submission:

Myriad Genetics, Inc.
Classification: Likely benign for Gastrointestinal stromal tumor. Last evaluated: 2026-06-01. Review status: criteria provided, single submitter. Criteria: Myriad Autosomal Dominant, Autosomal Recessive and X-Linked Classification Criteria (2023). Collection method: clinical testing. Allele origin: unknown.
Comment: This variant is considered likely benign. This variant is intronic and is not expected to impact mRNA splicing.